The following is an entry in ClinVar:

ClinVar aggregate classification (germline): Conflicting classifications of pathogenicity. Review status: criteria provided, conflicting classifications (1 of 4 stars). 3 submissions from 3 submitters: Uncertain significance (2); Likely benign (1). Last evaluated 2025-03-17.

Conditions:
Autoimmune lymphoproliferative syndrome, type III caused by mutation in PRKCD. Identifiers: Orphanet 3261, Orphanet 664711, MedGen C3809928, MONDO:8000024, OMIM 615559.

Allele frequency attached by ClinVar (database versions not stated): gnomAD exomes 0.00005 and 0.00008; 1000 Genomes Project 0.00040; ExAC 0.00013; gnomAD 0.00005 and 0.00003; 1000 Genomes Project 30x 0.00031; TOPMed 0.00005.
gnomAD v4.1: 85 of 1,614,010 alleles (0.0053%); highest among the groups gnomAD compares: Middle Eastern, 0.083%; 1 homozygote.

Submissions (3):

Mayo Clinic Laboratories, Mayo Clinic
Classification: Likely benign. Last evaluated: 2025-03-17. Review status: criteria provided, single submitter. Criteria: ACMG Guidelines, 2015. Collection method: clinical testing. Allele origin: germline. Observed: 1 variant allele.
Comment: BP4, BP7

Labcorp Genetics (formerly Invitae), Labcorp
Classification: Uncertain significance for Autoimmune lymphoproliferative syndrome, type III caused by mutation in PRKCD. Last evaluated: 2023-11-10. Review status: criteria provided, single submitter. Criteria: Invitae Variant Classification Sherloc (09022015). Collection method: clinical testing. Allele origin: germline.
Comment: This sequence change falls in intron 8 of the PRKCD gene. It does not directly change the encoded amino acid sequence of the PRKCD protein. It affects a nucleotide within the consensus splice site. This variant is present in population databases (rs199785209, gnomAD 0.01%). This variant has not been reported in the literature in individuals affected with PRKCD-related conditions. ClinVar contains an entry for this variant (Variation ID: 642091). Variants that disrupt the consensus splice site are a relatively common cause of aberrant splicing (PMID: 17576681, 9536098). Algorithms developed to predict the effect of sequence changes on RNA splicing suggest that this variant is not likely to affect RNA splicing. In summary, the available evidence is currently insufficient to determine the role of this variant in disease. Therefore, it has been classified as a Variant of Uncertain Significance.

Breakthrough Genomics
Classification: Uncertain significance. Review status: criteria provided, single submitter. Criteria: ACMG Guidelines, 2015. Collection method: not provided. Allele origin: germline. Inheritance: Autosomal recessive inheritance. Affected: yes.

Literature cited by the submitters: PubMed 17576681 (cited by Labcorp Genetics (formerly Invitae), Labcorp); PubMed 9536098 (cited by Labcorp Genetics (formerly Invitae), Labcorp).

NM_006254.4(PRKCD):c.657+3G>A

Gene: PRKCD (protein kinase C delta; plus strand). Cytogenetic location: 3p21.1.
Variant type: single nucleotide variant.
Coding change: c.657+3G>A on transcript NM_006254.4 (MANE Select); 3 bases into the intron after coding-DNA position 657, G replaced by A.
Molecular consequence: intron variant.
Genome position (GRCh38, 1-based): chr3:53,183,209, G>A. VCF-style: chr3-53183209-G-A. GRCh37 (hg19) VCF-style: chr3-53217225-G-A.
Other names: p.?; c.657+3G>A (LRG_1327t1, NM_001354680.2, NM_001354679.2 and 2 more transcripts); c.714+3G>A (NM_001354676.2); c.705+3G>A (NM_001354678.2).
Identifiers: ClinVar variation 642091 (VCV000642091.8), dbSNP rs199785209, ClinGen allele CA2451906.